The following is an entry in ClinVar:

ClinVar aggregate classification (germline): Uncertain significance (1 of 4 stars; one submission).

Allele frequency attached by ClinVar (database versions not stated): gnomAD exomes below 0.00001.
gnomAD v4.1: 3 of 1,614,120 alleles (0.00019%); highest among the groups gnomAD compares: Non-Finnish European, 0.00017%; no homozygotes.

Submission:

Athena Diagnostics
Classification: Uncertain significance. Last evaluated: 2023-04-04. Review status: criteria provided, single submitter. Criteria: Athena Diagnostics Criteria. Collection method: clinical testing. Allele origin: unknown.
Comment: Available data are insufficient to determine the clinical significance of the variant at this time. This variant has not been reported in large, multi-ethnic general populations. Computational tools predict that this variant is damaging.

Literature cited by the submitters: PubMed 26100331.

NM_001376.5(DYNC1H1):c.10078A>G (p.Ser3360Gly)

Gene: DYNC1H1 (dynein cytoplasmic 1 heavy chain 1; plus strand). Cytogenetic location: 14q32.31.
Variant type: single nucleotide variant.
Coding change: c.10078A>G on transcript NM_001376.5 (MANE Select); coding-DNA position 10078, A replaced by G.
Protein change: p.Ser3360Gly; replaces serine 3360 with glycine.
Molecular consequence: missense variant.
Genome position (GRCh38, 1-based): chr14:102,032,466, A>G. VCF-style: chr14-102032466-A-G. GRCh37 (hg19) VCF-style: chr14-102498803-A-G.
Other names: short protein forms S3360G.
Identifiers: ClinVar variation 2684178 (VCV002684178.1), dbSNP rs2503820031, ClinGen allele CA391021333.